The following is an entry in ClinVar:

ClinVar aggregate classification (germline): Uncertain significance (1 of 4 stars; one submission).

Allele frequency attached by ClinVar (database versions not stated): TOPMed below 0.00001; ExAC 0.00001; gnomAD 0.00001.
gnomAD v4.1: 6 of 1,613,592 alleles (0.00037%); highest among the groups gnomAD compares: Non-Finnish European, 0.00051%; no homozygotes.

Submission:

Mayo Clinic Laboratories, Mayo Clinic
Classification: Uncertain significance. Last evaluated: 2022-10-25. Review status: criteria provided, single submitter. Criteria: ACMG Guidelines, 2015. Collection method: clinical testing. Allele origin: germline. Observed: 1 variant allele.
Comment: BP4

NM_001267550.2(TTN):c.93664A>C (p.Asn31222His)

Genes: TTN (titin; minus strand), TTN-AS1 (TTN antisense RNA 1; plus strand). Cytogenetic location: 2q31.2.
Variant type: single nucleotide variant.
Coding change: c.93664A>C on transcript NM_001267550.2 (MANE Select); coding-DNA position 93664, A replaced by C.
Protein change: p.Asn31222His; replaces asparagine 31222 with histidine.
Molecular consequence: missense variant.
Genome position (GRCh38, 1-based): chr2:178,547,962, T>G on the plus strand (A>C on the coding strand, the complement: TTN is on the minus strand). VCF-style: chr2-178547962-T-G. GRCh37 (hg19) VCF-style: chr2-179412689-T-G.
Other names: p.Asn29581His; c.88741A>C, p.Asn29581His (NM_001256850.1); c.66469A>C, p.Asn22157His (NM_003319.4); c.85960A>C, p.Asn28654His (NM_133378.4); c.66844A>C, p.Asn22282His (NM_133432.3); c.67045A>C, p.Asn22349His (NM_133437.4); short protein forms N22157H, N22282H, N22349H, N28654H, N29581H, N31222H.
Identifiers: ClinVar variation 2682759 (VCV002682759.1), dbSNP rs760845662, ClinGen allele CA1987268.
Genomic context (GRCh38, chr2:178,547,962, plus strand): 5'-GACCACTGATTGGTACGTCAATGGTAAATGGGCTTCCTGCTTTGCAAGTTATAAGCTGAT[T>G]GGTAATTCCAGTGAGGTCAGCAGTGGGCTCGATTTGAGGCTCCTTAATGATGACAGAAGA-3'
Protein context (NP_001254479.2, residues 31212-31232): EPTADLTGIT[Asn31222His]QLITCKAGSP